The following is an entry in ClinVar:

ClinVar aggregate classification (germline): Uncertain significance. Review status: criteria provided, multiple submitters, no conflicts (2 of 4 stars). 4 submissions from 4 submitters: Uncertain significance (3). 1 of the submissions does not count toward it. Last evaluated 2024-07-17.

Conditions:
Elliptocytosis 1 (EL1). Also called: 4.1- TRAIT; 4.1-MINUS TRAIT; ELLIPTOCYTOSIS, RHESUS-LINKED TYPE; PROTEIN 4.1 OF ERYTHROCYTE MEMBRANE, DEFECT OF. Identifiers: Orphanet 288, MedGen C2678497, MONDO:0012731, OMIM 611804.

Allele frequency attached by ClinVar (database versions not stated): TOPMed below 0.00001; gnomAD 0.00004; gnomAD exomes 0.00004; ExAC 0.00016; 1000 Genomes Project 0.00040; 1000 Genomes Project 30x 0.00062.
gnomAD v4.1: 72 of 1,614,000 alleles (0.0045%); highest among the groups gnomAD compares: South Asian, 0.07%; no homozygotes.

Submissions (4):

Blueprint Genetics
Classification: Uncertain significance. Last evaluated: 2024-07-17. Review status: criteria provided, single submitter. Criteria: ACMG Guidelines, 2015. Collection method: clinical testing. Allele origin: germline.

Mayo Clinic Laboratories, Mayo Clinic
Classification: Uncertain significance. Last evaluated: 2024-03-14. Review status: criteria provided, single submitter. Criteria: ACMG Guidelines, 2015. Collection method: clinical testing. Allele origin: germline. Observed: 1 variant allele.
Comment: BP4

Neuberg Centre For Genomic Medicine, NCGM
Classification: Uncertain significance for Elliptocytosis 1. Review status: criteria provided, single submitter. Criteria: ACMG Guidelines, 2015. Collection method: clinical testing. Allele origin: germline. Inheritance: Autosomal recessive inheritance. Affected: yes.

Subrahamanyam Lab, Department of Biochemistry, National Institute of Nutrition, Indian Council of Medical Research
Classification: Uncertain significance for Elliptocytosis 1. Last evaluated: 2024-03-07. Review status: no assertion criteria provided. Collection method: research. Allele origin: unknown. Affected: yes. Observed: 1 variant allele, 1 heterozygote. Not counted in ClinVar's aggregate classification.

Literature cited by the submitters: PubMed 38592584 (cited by Subrahamanyam Lab, Department of Biochemistry, National Institute of Nutrition, Indian Council of Medical Research).

NM_001376013.1(EPB41):c.2269A>G (p.Ile757Val)

Gene: EPB41 (erythrocyte membrane protein band 4.1; plus strand). Cytogenetic location: 1p35.3.
Variant type: single nucleotide variant.
Coding change: c.2269A>G on transcript NM_001376013.1 (MANE Select); coding-DNA position 2269, A replaced by G.
Protein change: p.Ile757Val; replaces isoleucine 757 with valine.
Molecular consequence: missense variant.
Genome position (GRCh38, 1-based): chr1:29,097,891, A>G. VCF-style: chr1-29097891-A-G. GRCh37 (hg19) VCF-style: chr1-29424403-A-G.
Other names: p.Ile757Val; c.2269A>G, p.Ile757Val (NM_001166005.2); c.1480A>G, p.Ile494Val (NM_001166007.2); c.2200A>G, p.Ile734Val (NM_001376014.1); c.2164A>G, p.Ile722Val (NM_001376015.1); c.1642A>G, p.Ile548Val (NM_001376022.1); c.1543A>G, p.Ile515Val (NM_004437.4); c.1600A>G, p.Ile534Val (NM_203342.3); and 2 more; short protein forms I494V, I515V, I534V, I548V, I668V, I722V, I734V, I757V.
Identifiers: ClinVar variation 2663957 (VCV002663957.5), dbSNP rs547322551, ClinGen allele CA724775.
Genomic context (GRCh38, chr1:29,097,891, plus strand): 5'-GTCACCATCTCAGATAATGCCAATGCTGTGAAAAGTGAAATCCCAACCAAAGACGTCCCT[A>G]TTGTCCACACTGAGACCAAGACCATCACTTATGAGGCTGCCCAGGTAGGACATGTTTTGA-3'
Protein context (NP_001362942.1, residues 747-767): KSEIPTKDVP[Ile757Val]VHTETKTITY